The following is an entry in ClinVar:

ClinVar aggregate classification (germline): Uncertain significance. Review status: criteria provided, multiple submitters, no conflicts (2 of 4 stars). 2 submissions from 2 submitters: Uncertain significance (2). Last evaluated 2025-11-26.

Conditions:
Inborn genetic diseases. Identifiers: MedGen C0950123, MeSH D030342.
Lower motor neuron syndrome with late-adult onset (SMAJ). Also called: Spinal muscular atrophy, Jokela type; Late-Onset Spinal Motor Neuronopathy (SMAJ). Identifiers: Orphanet 276435, MedGen C3554398, MONDO:0014025, OMIM 615048.
Frontotemporal dementia and/or amyotrophic lateral sclerosis 2. Also called: FTDALS2. Identifiers: Orphanet 275872, MedGen C4014648, MONDO:0014395, OMIM 615911.
Autosomal dominant mitochondrial myopathy with exercise intolerance (IMMD). Also called: Myopathy, isolated mitochondrial, autosomal dominant. Identifiers: Orphanet 457050, MedGen C4015513, MONDO:0014532, OMIM 616209.

Submissions (2):

Labcorp Genetics (formerly Invitae), Labcorp
Classification: Uncertain significance for Lower motor neuron syndrome with late-adult onset; Frontotemporal dementia and/or amyotrophic lateral sclerosis 2; Autosomal dominant mitochondrial myopathy with exercise intolerance. Last evaluated: 2025-11-26. Review status: criteria provided, single submitter. Criteria: Invitae Variant Classification Sherloc (09022015). Collection method: clinical testing. Allele origin: germline.
Comment: This sequence change replaces alanine, which is neutral and non-polar, with valine, which is neutral and non-polar, at codon 31 of the CHCHD10 protein (p.Ala31Val). This variant is not present in population databases (gnomAD no frequency). This variant has not been reported in the literature in individuals affected with CHCHD10-related conditions. ClinVar contains an entry for this variant (Variation ID: 1766487). An algorithm developed to predict the effect of missense changes on protein structure and function outputs the following: PolyPhen-2: "Not Available". The valine amino acid residue is found in multiple mammalian species, which suggests that this missense change does not adversely affect protein function. In summary, the available evidence is currently insufficient to determine the role of this variant in disease. Therefore, it has been classified as a Variant of Uncertain Significance.

Ambry Genetics
Classification: Uncertain significance for Inborn genetic diseases. Last evaluated: 2021-04-23. Review status: criteria provided, single submitter. Criteria: Ambry Variant Classification Scheme 2023. Collection method: clinical testing. Allele origin: germline.
Comment: The p.A31V variant (also known as c.92C>T), located in coding exon 2 of the CHCHD10 gene, results from a C to T substitution at nucleotide position 92. The alanine at codon 31 is replaced by valine, an amino acid with similar properties. This amino acid position is well conserved in available vertebrate species; however, valine is the reference amino acid in other vertebrate species. In addition, this alteration is predicted to be tolerated by in silico analysis. Since supporting evidence is limited at this time, the clinical significance of this alteration remains unclear.

NM_213720.3(CHCHD10):c.92C>T (p.Ala31Val)

Gene: CHCHD10 (coiled-coil-helix-coiled-coil-helix domain containing 10; minus strand). Cytogenetic location: 22q11.23.
Variant type: single nucleotide variant.
Coding change: c.92C>T on transcript NM_213720.3 (MANE Select); coding-DNA position 92, C replaced by T.
Protein change: p.Ala31Val; replaces alanine 31 with valine.
Molecular consequence: missense variant.
Genome position (GRCh38, 1-based): chr22:23,767,543, G>A on the plus strand (C>T on the coding strand, the complement: CHCHD10 is on the minus strand). VCF-style: chr22-23767543-G-A. GRCh37 (hg19) VCF-style: chr22-24109730-G-A.
Other names: c.92C>T, p.Ala31Val (NM_001301339.2); short protein forms A31V.
Identifiers: ClinVar variation 1766487 (VCV001766487.4), dbSNP rs2517622862, ClinGen allele CA410916792.